The following is an entry in ClinVar:

NM_022772.4(EPS8L2):c.1060-6C>T

Gene: EPS8L2 (EPS8 signaling adaptor L2; plus strand). Cytogenetic location: 11p15.5.
Variant type: single nucleotide variant.
Coding change: c.1060-6C>T on transcript NM_022772.4 (MANE Select); 6 bases into the intron before coding-DNA position 1060, C replaced by T.
Molecular consequence: intron variant.
Genome position (GRCh38, 1-based): chr11:722,395, C>T. VCF-style: chr11-722395-C-T. GRCh37 (hg19) VCF-style: chr11-722395-C-T.
Other names: c.1060-6C>T (NM_022772.3).
Identifiers: ClinVar variation 1593230 (VCV001593230.11), dbSNP rs147136470, ClinGen allele CA5787484.
Genomic context (GRCh38, chr11:722,395, plus strand): 5'-GAGCTACGGGGGTGCTGGGCCAGGGTCTGTGGGCCTCAGTCCCCTCTGAACCTCACTGTG[C>T]CCCAGATCGTCAACACCTGCAGTGGCCCAGACATCGCACGCTCCGTCTCCTGCCCACTGC-3'

ClinVar aggregate classification (germline): Likely benign. Review status: criteria provided, multiple submitters, no conflicts (2 of 4 stars). 3 submissions from 3 submitters: Likely benign (2). 1 of the submissions does not count toward it. Last evaluated 2025-10-08.

Conditions:
EPS8L2-related disorder. Also called: EPS8L2-related condition.

Allele frequency attached by ClinVar (database versions not stated): gnomAD exomes 0.00014 and 0.00030; ExAC 0.00030; 1000 Genomes Project 0.00060; gnomAD 0.00065; ESP Exome Variant Server 0.00077; 1000 Genomes Project 30x 0.00078; TOPMed 0.00087.
gnomAD v4.1: 328 of 1,612,314 alleles (0.02%); highest among the groups gnomAD compares: Middle Eastern, 0.28%; 2 homozygotes.

Submissions (3):

Labcorp Genetics (formerly Invitae), Labcorp
Classification: Likely benign. Last evaluated: 2025-10-08. Review status: criteria provided, single submitter. Criteria: Invitae Variant Classification Sherloc (09022015). Collection method: clinical testing. Allele origin: germline.

Breakthrough Genomics
Classification: Likely benign. Review status: criteria provided, single submitter. Criteria: ACMG Guidelines, 2015. Collection method: not provided. Allele origin: germline. Inheritance: Autosomal recessive inheritance. Affected: yes.

PreventionGenetics, part of Exact Sciences
Classification: Benign for EPS8L2-related condition. Last evaluated: 2024-01-04. Review status: no assertion criteria provided. Collection method: clinical testing. Allele origin: germline. Not counted in ClinVar's aggregate classification.
Comment: This variant is classified as benign based on ACMG/AMP sequence variant interpretation guidelines (Richards et al. 2015 PMID: 25741868, with internal and published modifications).